The following is an entry in ClinVar:

NM_001103.4(ACTN2):c.1090G>A (p.Glu364Lys)

Gene: ACTN2 (actinin alpha 2; plus strand). Cytogenetic location: 1q43.
Variant type: single nucleotide variant.
Coding change: c.1090G>A on transcript NM_001103.4 (MANE Select); coding-DNA position 1090, G replaced by A.
Protein change: p.Glu364Lys; replaces glutamic acid 364 with lysine.
Molecular consequence: missense variant.
Genome position (GRCh38, 1-based): chr1:236,739,515, G>A. VCF-style: chr1-236739515-G-A. GRCh37 (hg19) VCF-style: chr1-236902815-G-A.
Other names: c.1090G>A, p.Glu364Lys (NM_001278343.2); c.466G>A, p.Glu156Lys (NM_001278344.2); short protein forms E364K, E156K.
Identifiers: ClinVar variation 858522 (VCV000858522.11), dbSNP rs572523462, ClinGen allele CA1473037.

ClinVar aggregate classification (germline): Conflicting classifications of pathogenicity. Review status: criteria provided, conflicting classifications (1 of 4 stars). 3 submissions from 3 submitters: Uncertain significance (2); Likely benign (1). Last evaluated 2025-06-24.

Conditions:
Dilated cardiomyopathy 1AA (CMD1AA). Also called: CARDIOMYOPATHY, DILATED, 1AA, WITH OR WITHOUT LEFT VENTRICULAR NONCOMPACTION; CARDIOMYOPATHY, FAMILIAL HYPERTROPHIC, 23, WITH OR WITHOUT LEFT VENTRICULAR NONCOMPACTION; Cardiomyopathy, dilated, 1AA, with or without LVNC. Identifiers: Orphanet 154, MedGen C2677338, MONDO:0012808, OMIM 612158.
Myopathy, congenital, with structured cores and z-line abnormalities. Also called: CONGENITAL MYOPATHY 8; MULTIPLE STRUCTURED CORE DISEASE. Identifiers: MedGen C5231445, MONDO:0032852, OMIM 618654.
Myopathy, distal, 6, adult-onset, autosomal dominant. Identifiers: MedGen C5203349, MONDO:0032853, OMIM 618655.
Cardiovascular phenotype. Identifiers: MedGen CN230736.
Primary familial hypertrophic cardiomyopathy (HCM). Identifiers: Orphanet 99739, MedGen C0949658, MeSH D024741, MONDO:0024573. Inheritance: Various modes of inheritance.

Allele frequency attached by ClinVar (database versions not stated): gnomAD exomes below 0.00001 and 0.00001; ExAC 0.00001; gnomAD 0.00001; TOPMed 0.00003; 1000 Genomes Project 0.00020.
gnomAD v4.1: 6 of 1,614,032 alleles (0.00037%); highest among the groups gnomAD compares: African/African-American, 0.004%; no homozygotes.

Submissions (3):

Labcorp Genetics (formerly Invitae), Labcorp
Classification: Likely benign for Primary familial hypertrophic cardiomyopathy; Dilated cardiomyopathy 1AA. Last evaluated: 2025-06-24. Review status: criteria provided, single submitter. Criteria: Invitae Variant Classification Sherloc (09022015). Collection method: clinical testing. Allele origin: germline.

Ambry Genetics
Classification: Uncertain significance for Cardiovascular phenotype. Last evaluated: 2022-11-02. Review status: criteria provided, single submitter. Criteria: Ambry Variant Classification Scheme 2023. Collection method: clinical testing. Allele origin: germline.
Comment: The p.E364K variant (also known as c.1090G>A), located in coding exon 10 of the ACTN2 gene, results from a G to A substitution at nucleotide position 1090. The glutamic acid at codon 364 is replaced by lysine, an amino acid with similar properties. This amino acid position is highly conserved in available vertebrate species. In addition, the in silico prediction for this alteration is inconclusive. Since supporting evidence is limited at this time, the clinical significance of this alteration remains unclear.

Fulgent Genetics
Classification: Uncertain significance for Dilated cardiomyopathy 1AA; Myopathy, congenital, with structured cores and z-line abnormalities; Myopathy, distal, 6, adult-onset, autosomal dominant. Last evaluated: 2021-11-22. Review status: criteria provided, single submitter. Criteria: ACMG Guidelines, 2015. Collection method: clinical testing. Allele origin: unknown.